The following is an entry in ClinVar:

ClinVar aggregate classification (germline): Uncertain significance (1 of 4 stars; one submission).

Submission:

GeneDx
Classification: Uncertain significance. Last evaluated: 2023-09-07. Review status: criteria provided, single submitter. Criteria: GeneDx Variant Classification Process June 2021. Collection method: clinical testing. Allele origin: germline. Affected: yes.
Comment: Not observed at significant frequency in large population cohorts (gnomAD); In silico analysis supports that this missense variant does not alter protein structure/function; Has not been previously published as pathogenic or benign to our knowledge

NM_001365999.1(SZT2):c.2749G>C (p.Val917Leu)

Gene: SZT2 (SZT2 subunit of KICSTOR complex; plus strand). Cytogenetic location: 1p34.2.
Variant type: single nucleotide variant.
Coding change: c.2749G>C on transcript NM_001365999.1 (MANE Select); coding-DNA position 2749, G replaced by C.
Protein change: p.Val917Leu; replaces valine 917 with leucine.
Molecular consequence: missense variant.
Genome position (GRCh38, 1-based): chr1:43,425,577, G>C. VCF-style: chr1-43425577-G-C. GRCh37 (hg19) VCF-style: chr1-43891248-G-C.
Other names: c.2749G>C, p.Val917Leu (NM_015284.4); short protein forms V917L.
Identifiers: ClinVar variation 3342425 (VCV003342425.1).